The following is an entry in ClinVar:

ClinVar aggregate classification (germline): Uncertain significance (1 of 4 stars; one submission).

Conditions:
Intellectual developmental disorder, autosomal dominant 77. Identifiers: MedGen C6065930, MONDO:0980748, OMIM 621415.

Submission:

3billion
Classification: Uncertain significance for Intellectual developmental disorder, autosomal dominant 77. Last evaluated: 2025-08-07. Review status: criteria provided, single submitter. Criteria: ACMG Guidelines, 2015. Collection method: clinical testing. Allele origin: germline. Affected: yes.
Comment: The variant is not observed in the gnomAD v4.1.0 dataset. Predicted Consequence/Location: Intron variant In silico tools predict the variant to alter splicing and produce an abnormal transcript [SpliceAI: 0.52 (>=0.2, moderate evidence for spliceogenicity)]. Therefore, this variant is classified as VUS according to the recommendation of ACMG/AMP guideline.

NM_001370785.2(LRRC7):c.932-12_932-10del

Gene: LRRC7 (leucine rich repeat containing 7; plus strand). Cytogenetic location: 1p31.1.
Variant type: Microsatellite.
Coding change: c.932-12_932-10del on transcript NM_001370785.2 (MANE Select); 12 bases into the intron before coding-DNA position 932 through 10 bases into the intron before coding-DNA position 932, 3 bases deleted (TCT; older notation c.932-12_932-10delTCT).
Molecular consequence: intron variant.
Genome position (GRCh38, 1-based): chr1:69,994,549-69,994,551, TCT deleted; deleting any 3 consecutive bases within chr1:69,994,544-69,994,551 gives the same sequence; the c. name uses the placement nearest the transcript's 3' end. VCF-style (leftmost placement, unchanged base first): chr1-69994543-CCTT-C. GRCh37 (hg19) VCF-style: chr1-70460226-CCTT-C.
Other names: c.833-12_833-10del (NM_001330635.3, NM_001366839.3, NM_001366841.1); c.932-12_932-10del (NM_001366838.3); c.935-12_935-10del (NM_001350216.3).
Identifiers: ClinVar variation 4854880 (VCV004854880.1).